The following is an entry in ClinVar:

NM_018706.7(DHTKD1):c.9T>A (p.Ser3=)

Gene: DHTKD1 (dehydrogenase E1 and transketolase domain containing 1; plus strand). Cytogenetic location: 10p14.
Variant type: single nucleotide variant.
Coding change: c.9T>A on transcript NM_018706.7 (MANE Select); coding-DNA position 9, T replaced by A.
Protein change: p.Ser3=; no amino-acid change (serine 3 retained).
Molecular consequence: synonymous variant.
Genome position (GRCh38, 1-based): chr10:12,069,042, T>A. VCF-style: chr10-12069042-T-A. GRCh37 (hg19) VCF-style: chr10-12111041-T-A.
Other names: c.9T>A (NM_018706.6).
Identifiers: ClinVar variation 1013563 (VCV001013563.42), dbSNP rs367959044, ClinGen allele CA5407408.

ClinVar aggregate classification (germline): Likely benign. Review status: criteria provided, multiple submitters, no conflicts (2 of 4 stars). 3 submissions from 3 submitters: Likely benign (3). Last evaluated 2024-10-25.

Conditions:
DHTKD1-related disorder. Also called: DHTKD1-related condition.
2-aminoadipic 2-oxoadipic aciduria (AAKAD). Also called: Aminoadipic aciduria; ALPHA-AMINOADIPIC AND ALPHA-KETOADIPIC ACIDURIA. Identifiers: Orphanet 79154, MedGen C1859817, MONDO:0008774, OMIM 204750.

Allele frequency attached by ClinVar (database versions not stated): gnomAD exomes 0.00001 and 0.00002; TOPMed 0.00001; ExAC 0.00002; ESP Exome Variant Server 0.00008.
gnomAD v4.1: 13 of 1,613,324 alleles (0.00081%); highest among the groups gnomAD compares: Non-Finnish European, 0.001%; no homozygotes.

Submissions (3):

PreventionGenetics, part of Exact Sciences
Classification: Likely benign for DHTKD1-related condition. Last evaluated: 2024-10-25. Review status: criteria provided, single submitter. Criteria: ACMG Guidelines, 2015. Collection method: clinical testing. Allele origin: germline.
Comment: This variant is classified as likely benign based on ACMG/AMP sequence variant interpretation guidelines (Richards et al. 2015 PMID: 25741868, with internal and published modifications).

Labcorp Genetics (formerly Invitae), Labcorp
Classification: Likely benign for 2-aminoadipic 2-oxoadipic aciduria. Last evaluated: 2023-06-17. Review status: criteria provided, single submitter. Criteria: Invitae Variant Classification Sherloc (09022015). Collection method: clinical testing. Allele origin: germline.

CeGaT Center for Human Genetics Tuebingen
Classification: Likely benign. Last evaluated: 2020-11-01. Review status: criteria provided, single submitter. Criteria: CeGaT Center For Human Genetics Tuebingen Variant Classification Criteria Version 2. Collection method: clinical testing. Allele origin: germline. Affected: yes. Observed: 1 variant allele.